The following is an entry in ClinVar:

ClinVar aggregate classification (germline): Benign. Review status: criteria provided, multiple submitters, no conflicts (2 of 4 stars). 2 submissions from 2 submitters: Benign (2). Last evaluated 2018-01-12.

Conditions:
Pheochromocytoma. Also called: MAX-Related Hereditary Paraganglioma-Pheochromocytoma Syndrome. Identifiers: Orphanet 29072, MedGen C0031511, MONDO:0008233, OMIM 171300, HP:0002666.

Allele frequency attached by ClinVar (database versions not stated): gnomAD exomes 0.55999; TOPMed 0.56345; gnomAD 0.56373 and 0.56497; 1000 Genomes Project 30x 0.61602; 1000 Genomes Project 0.61641.

Submissions (2):

Illumina Laboratory Services, Illumina
Classification: Benign for Pheochromocytoma. Last evaluated: 2018-01-12. Review status: criteria provided, single submitter. Criteria: ICSL Variant Classification Criteria 13 December 2019. Collection method: clinical testing. Allele origin: germline.
Comment: This variant was observed in the ICSL laboratory as part of a predisposition screen in an ostensibly healthy population. It had not been previously curated by ICSL or reported in the Human Gene Mutation Database (HGMD: prior to June 1st, 2018), and was therefore a candidate for classification through an automated scoring system. Utilizing variant allele frequency, disease prevalence and penetrance estimates, and inheritance mode, an automated score was calculated to assess if this variant is too frequent to cause the disease. Based on the score and internal cut-off values, a variant classified as benign is not then subjected to further curation. The score for this variant resulted in a classification of benign for this disease.

Breakthrough Genomics
Classification: Benign. Review status: criteria provided, single submitter. Criteria: ACMG Guidelines, 2015. Collection method: not provided. Allele origin: germline. Inheritance: Autosomal dominant inheritance. Affected: yes.

NM_017849.4(TMEM127):c.*1958A>C

Gene: TMEM127 (transmembrane protein 127; minus strand). Cytogenetic location: 2q11.2.
Variant type: single nucleotide variant.
Coding change: c.*1958A>C on transcript NM_017849.4 (MANE Select); 1958 bases downstream of the stop codon, A replaced by C.
Molecular consequence: 3 prime UTR variant.
Genome position (GRCh38, 1-based): chr2:96,251,850, T>G on the plus strand (A>C on the coding strand, the complement: TMEM127 is on the minus strand). VCF-style: chr2-96251850-T-G. GRCh37 (hg19) VCF-style: chr2-96917588-T-G.
Other names: c.*1958A>C (NM_001193304.3).
Identifiers: ClinVar variation 337472 (VCV000337472.6), dbSNP rs7058, ClinGen allele CA10616352.